The following is an entry in ClinVar:

NM_032608.7(MYO18B):c.1435C>T (p.Arg479Trp)

Gene: MYO18B (myosin XVIIIB; plus strand). Cytogenetic location: 22q12.1.
Variant type: single nucleotide variant.
Coding change: c.1435C>T on transcript NM_032608.7 (MANE Select); coding-DNA position 1435, C replaced by T.
Protein change: p.Arg479Trp; replaces arginine 479 with tryptophan.
Molecular consequence: missense variant.
Genome position (GRCh38, 1-based): chr22:25,769,351, C>T. VCF-style: chr22-25769351-C-T. GRCh37 (hg19) VCF-style: chr22-26165318-C-T.
Other names: c.1435C>T, p.Arg479Trp (NM_001318245.2); c.1435C>T (NM_032608.5); short protein forms R479W.
Identifiers: ClinVar variation 2051306 (VCV002051306.2), dbSNP rs540637749, ClinGen allele CA10159819.

ClinVar aggregate classification (germline): Uncertain significance. Review status: criteria provided, multiple submitters, no conflicts (2 of 4 stars). 2 submissions from 2 submitters: Uncertain significance (2). Last evaluated 2024-09-10.

Conditions:
Inborn genetic diseases. Identifiers: MedGen C0950123, MeSH D030342.

Allele frequency attached by ClinVar (database versions not stated): TOPMed 0.00002; gnomAD 0.00003; ExAC 0.00007; 1000 Genomes Project 0.00040; 1000 Genomes Project 30x 0.00047.
gnomAD v4.1: 31 of 1,576,640 alleles (0.002%); highest among the groups gnomAD compares: East Asian, 0.014%; no homozygotes.

Submissions (2):

Ambry Genetics
Classification: Uncertain significance for Inborn genetic diseases. Last evaluated: 2024-09-10. Review status: criteria provided, single submitter. Criteria: Ambry Variant Classification Scheme 2023. Collection method: clinical testing. Allele origin: germline.

Labcorp Genetics (formerly Invitae), Labcorp
Classification: Uncertain significance. Last evaluated: 2021-09-24. Review status: criteria provided, single submitter. Criteria: Invitae Variant Classification Sherloc (09022015). Collection method: clinical testing. Allele origin: germline.
Comment: This sequence change replaces arginine with tryptophan at codon 479 of the MYO18B protein (p.Arg479Trp). The arginine residue is weakly conserved and there is a moderate physicochemical difference between arginine and tryptophan. This variant is present in population databases (rs540637749, ExAC 0.07%). This variant has not been reported in the literature in individuals affected with MYO18B-related conditions. Algorithms developed to predict the effect of missense changes on protein structure and function are either unavailable or do not agree on the potential impact of this missense change (SIFT: "Not Available"; PolyPhen-2: "Benign"; Align-GVGD: "Not Available"). In summary, the available evidence is currently insufficient to determine the role of this variant in disease. Therefore, it has been classified as a Variant of Uncertain Significance.